The following is an entry in ClinVar:

NM_006766.5(KAT6A):c.4_10delinsT (p.Val2_Leu4delinsPhe)

Gene: KAT6A (lysine acetyltransferase 6A; minus strand). Cytogenetic location: 8p11.21.
Variant type: Indel.
Coding change: c.4_10delinsT on transcript NM_006766.5 (MANE Select); coding-DNA positions 4 to 10, GTAAAAC replaced by T.
Protein change: p.Val2_Leu4delinsPhe.
Molecular consequence: inframe indel.
Genome position (GRCh38, 1-based): chr8:42,048,968-42,048,974, GTTTTAC replaced by A on the plus strand (GTAAAAC replaced by T on the coding strand, the reverse complement: KAT6A is on the minus strand). VCF-style: chr8-42048968-GTTTTAC-A. GRCh37 (hg19) VCF-style: chr8-41906486-GTTTTAC-A.
Other names: c.4_10delinsT, p.Val2_Leu4delinsPhe (NM_001305878.2).
Identifiers: ClinVar variation 3899637 (VCV003899637.1).

ClinVar aggregate classification (germline): Uncertain significance (1 of 4 stars; one submission).

Submission:

GeneDx
Classification: Uncertain significance. Last evaluated: 2024-11-11. Review status: criteria provided, single submitter. Criteria: GeneDx Variant Classification Process June 2021. Collection method: clinical testing. Allele origin: germline. Affected: yes.
Comment: Not observed at significant frequency in large population cohorts (gnomAD); In-frame deletion of three amino acids and insertion of one different amino acid in a non-repeat region; In silico analysis supports a deleterious effect on protein structure/function; Has not been previously published as pathogenic or benign to our knowledge